The following is an entry in ClinVar:

NM_006231.4(POLE):c.37C>A (p.Pro13Thr)

Genes: POLE (DNA polymerase epsilon, catalytic subunit; minus strand), LOC130009266 (ATAC-STARR-seq lymphoblastoid silent region 5123; plus strand). Cytogenetic location: 12q24.33.
Variant type: single nucleotide variant.
Coding change: c.37C>A on transcript NM_006231.4 (MANE Select); coding-DNA position 37, C replaced by A.
Protein change: p.Pro13Thr; replaces proline 13 with threonine.
Molecular consequence: missense variant.
Genome position (GRCh38, 1-based): chr12:132,687,279, G>T on the plus strand (C>A on the coding strand, the complement: POLE is on the minus strand). VCF-style: chr12-132687279-G-T. GRCh37 (hg19) VCF-style: chr12-133263865-G-T.
Other names: short protein forms P13T.
Identifiers: ClinVar variation 4723584 (VCV004723584.1).

ClinVar aggregate classification (germline): Uncertain significance (1 of 4 stars; one submission).

Submission:

Labcorp Genetics (formerly Invitae), Labcorp
Classification: Uncertain significance. Last evaluated: 2025-07-21. Review status: criteria provided, single submitter. Criteria: Invitae Variant Classification Sherloc (09022015). Collection method: clinical testing. Allele origin: germline.
Comment: This sequence change replaces proline, which is neutral and non-polar, with threonine, which is neutral and polar, at codon 13 of the POLE protein (p.Pro13Thr). This variant is not present in population databases (gnomAD no frequency). This variant has not been reported in the literature in individuals affected with POLE-related conditions. An algorithm developed to predict the effect of missense changes on protein structure and function (PolyPhen-2) suggests that this variant is likely to be tolerated. In summary, the available evidence is currently insufficient to determine the role of this variant in disease. Therefore, it has been classified as a Variant of Uncertain Significance.